The following is an entry in ClinVar:

ClinVar aggregate classification (germline): Uncertain significance (1 of 4 stars; one submission).

Conditions:
Gorlin syndrome. Also called: Nevoid Basal Cell Carcinoma Syndrome; Basal cell nevus syndrome. Identifiers: Orphanet 377, MedGen C0004779, MONDO:0007187.

Allele frequency attached by ClinVar (database versions not stated): gnomAD exomes below 0.00001 and 0.00001; gnomAD 0.00001.
gnomAD v4.1: 14 of 1,614,064 alleles (0.00087%); highest among the groups gnomAD compares: Non-Finnish European, 0.0012%; no homozygotes.

Submission:

Labcorp Genetics (formerly Invitae), Labcorp
Classification: Uncertain significance for Gorlin syndrome. Last evaluated: 2024-10-15. Review status: criteria provided, single submitter. Criteria: Invitae Variant Classification Sherloc (09022015). Collection method: clinical testing. Allele origin: germline.
Comment: This sequence change creates a premature translational stop signal (p.Gln530*) in the PTCH2 gene. It is expected to result in an absent or disrupted protein product. However, the current clinical and genetic evidence is not sufficient to establish whether loss-of-function variants in PTCH2 cause disease. This variant is present in population databases (no rsID available, gnomAD 0.007%). This variant has not been reported in the literature in individuals affected with PTCH2-related conditions. ClinVar contains an entry for this variant (Variation ID: 969375). In summary, the available evidence is currently insufficient to determine the role of this variant in disease. Therefore, it has been classified as a Variant of Uncertain Significance.

NM_003738.5(PTCH2):c.1588C>T (p.Gln530Ter)

Gene: PTCH2 (patched 2; minus strand). Cytogenetic location: 1p34.1.
Variant type: single nucleotide variant.
Coding change: c.1588C>T on transcript NM_003738.5 (MANE Select); coding-DNA position 1588, C replaced by T.
Protein change: p.Gln530Ter; replaces glutamine 530 with a stop codon.
Molecular consequence: nonsense.
Genome position (GRCh38, 1-based): chr1:44,828,508, G>A on the plus strand (C>T on the coding strand, the complement: PTCH2 is on the minus strand). VCF-style: chr1-44828508-G-A. GRCh37 (hg19) VCF-style: chr1-45294180-G-A.
Other names: c.1588C>T, p.Gln530Ter (NM_001166292.2); short protein forms Q530*.
Identifiers: ClinVar variation 969375 (VCV000969375.8), dbSNP rs1267419292, ClinGen allele CA340100705.